The following is an entry in ClinVar:

ClinVar aggregate classification (germline): Conflicting classifications of pathogenicity. Review status: criteria provided, conflicting classifications (1 of 4 stars). 3 submissions from 3 submitters: Likely pathogenic (1); Uncertain significance (2). Last evaluated 2025-09-15.

Conditions:
Alport syndrome 3b, autosomal recessive. Identifiers: MedGen C5882699, MONDO:0957811, OMIM 620536.
Autosomal dominant Alport syndrome (ATS3A). Also called: Alport syndrome dominant type; Renal failure and sensorineural hearing loss; ALPORT SYNDROME 3A, AUTOSOMAL DOMINANT. Identifiers: Orphanet 63, Orphanet 88918, MedGen C5882663, MONDO:0007086, OMIM 104200.
Hematuria, benign familial, 2 (BFH2). Identifiers: MedGen C5830421, MONDO:0958186, OMIM 620320.
Autosomal recessive Alport syndrome (ATS2). Also called: ALPORT SYNDROME 2, AUTOSOMAL RECESSIVE; Alport syndrome type 2; COL4A3-Related Nephropathy; COL4A4 Alport Syndrome and Thin Basement Membrane Nephropathy. Identifiers: Orphanet 63, Orphanet 88919, MedGen C4746745, MONDO:0008762, OMIM 203780.

gnomAD v4.1: 1 of 1,613,622 alleles (0.000062%); highest among the groups gnomAD compares: African/African-American, 0.0013%; no homozygotes.

Submissions (3):

GeneDx
Classification: Uncertain significance. Last evaluated: 2025-09-15. Review status: criteria provided, single submitter. Criteria: GeneDx Variant Classification Process June 2021. Collection method: clinical testing. Allele origin: germline. Affected: yes.
Comment: Not observed at significant frequency in large population cohorts (gnomAD); In silico analysis supports that this missense variant has a deleterious effect on protein structure/function; Has not been previously published as pathogenic or benign to our knowledge; Affects a glycine residue in a Gly-X-Y motif in the triple helical region of the COL4A3 gene

Fulgent Genetics
Classification: Uncertain significance for Autosomal dominant Alport syndrome; Hematuria, benign familial, 2; Alport syndrome 3b, autosomal recessive. Last evaluated: 2024-03-15. Review status: criteria provided, single submitter. Criteria: ACMG Guidelines, 2015. Collection method: clinical testing. Allele origin: germline.

MVZ Medizinische Genetik Mainz
Classification: Likely pathogenic for Autosomal dominant Alport syndrome; Autosomal recessive Alport syndrome. Last evaluated: 2023-06-27. Review status: criteria provided, single submitter. Criteria: UK Practice Guidelines For Variant Classification V4 01 2020. Collection method: clinical testing. Allele origin: germline. Inheritance: Autosomal recessive inheritance. Affected: yes. Observed: 1 variant allele.

NM_000091.5(COL4A3):c.656G>A (p.Gly219Asp)

Genes: MFF-DT (MFF divergent transcript; minus strand), COL4A3 (collagen type IV alpha 3 chain; plus strand). Cytogenetic location: 2q36.3.
Variant type: single nucleotide variant.
Coding change: c.656G>A on transcript NM_000091.5 (MANE Select); coding-DNA position 656, G replaced by A.
Protein change: p.Gly219Asp; replaces glycine 219 with aspartic acid.
Molecular consequence: missense variant.
Genome position (GRCh38, 1-based): chr2:227,253,306, G>A. VCF-style: chr2-227253306-G-A. GRCh37 (hg19) VCF-style: chr2-228118022-G-A.
Other names: short protein forms G219D.
Identifiers: ClinVar variation 2692346 (VCV002692346.3), dbSNP rs2069900248, ClinGen allele CA350864798.